The following is an entry in ClinVar:

NM_017739.4(POMGNT1):c.130G>A (p.Val44Met)

Gene: POMGNT1 (protein O-linked mannose N-acetylglucosaminyltransferase 1 (beta 1,2-); minus strand). Cytogenetic location: 1p34.1.
Variant type: single nucleotide variant.
Coding change: c.130G>A on transcript NM_017739.4 (MANE Select); coding-DNA position 130, G replaced by A.
Protein change: p.Val44Met; replaces valine 44 with methionine.
Molecular consequence: missense variant. On other transcripts: 5 prime UTR variant (1).
Genome position (GRCh38, 1-based): chr1:46,197,075, C>T on the plus strand (G>A on the coding strand, the complement: POMGNT1 is on the minus strand). VCF-style: chr1-46197075-C-T. GRCh37 (hg19) VCF-style: chr1-46662747-C-T.
Other names: c.130G>A, p.Val44Met (NM_001243766.2, NM_001410783.1); c.64G>A, p.Val22Met (NM_001290129.3); c.-300G>A (NM_001290130.2); short protein forms V44M, V22M.
Identifiers: ClinVar variation 967321 (VCV000967321.3), dbSNP rs764388322, ClinGen allele CA833844.
Genomic context (GRCh38, chr1:46,197,075, plus strand): 5'-CTCGCCGAGTGTCCAGGATCAACTTGATATTGACAATGACAGTCACCAGCAGGAAAAGCA[C>T]GGCCCCTGTCTGAGGGGAGGGGTAGGGATGATTAAGAGGAGCACCTCCTTCAGATCCTAG-3'
Protein context (NP_060209.4, residues 34-54): ALRRFCQTGA[Val44Met]LFLLVTVIVN

ClinVar aggregate classification (germline): Uncertain significance (1 of 4 stars; one submission).

Conditions:
Autosomal recessive limb-girdle muscular dystrophy type 2O. Also called: MUSCULAR DYSTROPHY-DYSTROGLYCANOPATHY (LIMB-GIRDLE), TYPE C, 3; MUSCULAR DYSTROPHY-DYSTROGLYCANOPATHY, LIMB-GIRDLE, POMGNT1-RELATED; Limb-Girdle Muscular Dystrophy Type 3C. Identifiers: Orphanet 206564, MedGen C3150417, MONDO:0013161, OMIM 613157.
Muscular dystrophy-dystroglycanopathy (congenital with impaired intellectual development), type B, 3. Also called: Muscular dystrophy-dystroglycanopathy (congenital with intellectual disability), type B3; MUSCULAR DYSTROPHY, CONGENITAL, POMGNT1-RELATED. Identifiers: MedGen C3150412, MONDO:0013155, OMIM 613151.

Allele frequency attached by ClinVar (database versions not stated): TOPMed 0.00003; gnomAD 0.00002.

Submission:

Labcorp Genetics (formerly Invitae), Labcorp
Classification: Uncertain significance for Autosomal recessive limb-girdle muscular dystrophy type 2O; Muscular dystrophy-dystroglycanopathy (congenital with impaired intellectual development), type B, 3. Last evaluated: 2022-08-09. Review status: criteria provided, single submitter. Criteria: Invitae Variant Classification Sherloc (09022015). Collection method: clinical testing. Allele origin: germline.
Comment: This sequence change replaces valine, which is neutral and non-polar, with methionine, which is neutral and non-polar, at codon 44 of the POMGNT1 protein (p.Val44Met). This variant is present in population databases (rs764388322, gnomAD 0.006%). This variant has not been reported in the literature in individuals affected with POMGNT1-related conditions. ClinVar contains an entry for this variant (Variation ID: 967321). Advanced modeling of protein sequence and biophysical properties (such as structural, functional, and spatial information, amino acid conservation, physicochemical variation, residue mobility, and thermodynamic stability) performed at Invitae indicates that this missense variant is not expected to disrupt POMGNT1 protein function. In summary, the available evidence is currently insufficient to determine the role of this variant in disease. Therefore, it has been classified as a Variant of Uncertain Significance.